The following is an entry in ClinVar:

NM_006514.4(SCN10A):c.3118_3130delinsCCAGGCACTGGAACATCTTCTGAG (p.Gly1040fs)

Genes: SCN10A (sodium voltage-gated channel alpha subunit 10; minus strand), LOC110121288 (VISTA enhancer hs2268; plus strand). Cytogenetic location: 3p22.2.
Variant type: Indel.
Coding change: c.3118_3130delinsCCAGGCACTGGAACATCTTCTGAG on transcript NM_006514.4 (MANE Select); coding-DNA positions 3118 to 3130, GGGGACCACCTGA replaced by CCAGGCACTGGAACATCTTCTGAG.
Protein change: p.Gly1040fs; shifts the reading frame from glycine 1040.
Molecular consequence: frameshift variant.
Genome position (GRCh38, 1-based): chr3:38,725,272-38,725,284, TCAGGTGGTCCCC replaced by CTCAGAAGATGTTCCAGTGCCTGG on the plus strand (GGGGACCACCTGA replaced by CCAGGCACTGGAACATCTTCTGAG on the coding strand, the reverse complement: SCN10A is on the minus strand). GRCh37 (hg19): chr3:38,766,763-38,766,775.
Other names: c.3115_3127delinsCCAGGCACTGGAACATCTTCTGAG, p.Gly1039fs (NM_001293306.2); c.2824_2836delinsCCAGGCACTGGAACATCTTCTGAG, p.Gly942fs (NM_001293307.2); short protein forms G1039fs, G1040fs, G942fs.
Identifiers: ClinVar variation 1701454 (VCV001701454.34), dbSNP rs2126000030, ClinGen allele CA2580069773.
Genomic context (GRCh38, chr3:38,725,272, plus strand): 5'-TCTCACCCAGGGATGGAGCCAGGTCCTCAGAAGATGTTCCAGTGCCTGGGCTCCTGGGTG[TCAGGTGGTCCCC>CTCAGAAGATGTTCCAGTGCCTGG]ACACCTCTCGACTTGCTGCAGCTGCTCCTGCTAGTGAGAGAGGGTCCCAACTGGGTGCCT-3'

ClinVar aggregate classification (germline): Uncertain significance. Review status: criteria provided, multiple submitters, no conflicts (2 of 4 stars). 2 submissions from 2 submitters: Uncertain significance (2). Last evaluated 2024-03-26.

Conditions:
Cardiovascular phenotype. Identifiers: MedGen CN230736.

Submissions (2):

Ambry Genetics
Classification: Uncertain significance for Cardiovascular phenotype. Last evaluated: 2024-03-26. Review status: criteria provided, single submitter. Criteria: Ambry Variant Classification Scheme 2023. Collection method: clinical testing. Allele origin: germline.
Comment: The c.3118_3130del13ins24 variant, located in coding exon 17 of the SCN10A gene, results from the deletion of 13 nucleotides and insertion of 24 nucleotides causing a translational frameshift with a predicted alternate stop codon (p.G1040Pfs*57). This alteration is expected to result in premature protein truncation or nonsense-mediated mRNA decay. However, loss of function of SCN10A has not been clearly established as a mechanism of disease. The evidence for this gene-disease relationship is limited; therefore, the clinical significance of this alteration is unclear.

CeGaT Center for Human Genetics Tuebingen
Classification: Uncertain significance. Last evaluated: 2021-12-01. Review status: criteria provided, single submitter. Criteria: CeGaT Center For Human Genetics Tuebingen Variant Classification Criteria Version 2. Collection method: clinical testing. Allele origin: germline. Affected: yes. Observed: 1 variant allele.